The following is an entry in ClinVar:

ClinVar aggregate classification (germline): Uncertain significance. Review status: criteria provided, multiple submitters, no conflicts (2 of 4 stars). 2 submissions from 2 submitters: Uncertain significance (2). Last evaluated 2025-08-21.

Conditions:
Aortic valve disease 3. Identifiers: MedGen C5193127, MONDO:0032783, OMIM 618496.

Allele frequency attached by ClinVar (database versions not stated): gnomAD 0.00010 and 0.00011; ExAC 0.00011; gnomAD exomes 0.00012; ESP Exome Variant Server 0.00015.

Submissions (2):

Ambry Genetics
Classification: Uncertain significance. Last evaluated: 2025-08-21. Review status: criteria provided, single submitter. Criteria: Ambry Variant Classification Scheme 2023. Collection method: clinical testing. Allele origin: germline.

Molecular Genetics, Royal Melbourne Hospital
Classification: Uncertain significance for Aortic valve disease 3. Last evaluated: 2021-08-10. Review status: criteria provided, single submitter. Criteria: ACMG Guidelines, 2015. Collection method: clinical testing. Allele origin: germline.
Comment: This sequence change in ROBO4 is predicted to replace arginine with cysteine at codon 491 (p.(Arg491Cys)). The arginine residue is weakly conserved (100 vertebrates, UCSC), and is not located in an annotated functional domain. There is a large physicochemical difference between arginine and cysteine. The highest population minor allele frequency in gnomAD v2.1 is 0.03% (11/19,894 alleles) in the East Asian population. This variant has been reported as likely benign (LOVD). To our knowledge, this variant has not been reported in the literature in any individuals with aortic valve disease. Multiple lines of computational evidence have conflicting predictions for the missense substitution (4/6 algorithms predict benign). Based on the classification scheme RMH Modified ACMG Guidelines v1.4.0, this variant is classified as a VARIANT OF UNCERTAIN SIGNIFICANCE. Following criteria are met: none.

NM_019055.6(ROBO4):c.1471C>T (p.Arg491Cys)

Gene: ROBO4 (roundabout guidance receptor 4; minus strand). Cytogenetic location: 11q24.2.
Variant type: single nucleotide variant.
Coding change: c.1471C>T on transcript NM_019055.6 (MANE Select); coding-DNA position 1471, C replaced by T.
Protein change: p.Arg491Cys; replaces arginine 491 with cysteine.
Molecular consequence: missense variant.
Genome position (GRCh38, 1-based): chr11:124,893,893, G>A on the plus strand (C>T on the coding strand, the complement: ROBO4 is on the minus strand). VCF-style: chr11-124893893-G-A. GRCh37 (hg19) VCF-style: chr11-124763789-G-A.
Other names: c.1036C>T, p.Arg346Cys (NM_001301088.2); c.1471C>T (NM_019055.5); short protein forms R346C, R491C.
Identifiers: ClinVar variation 1676230 (VCV001676230.3), dbSNP rs374471211, ClinGen allele CA6344968.